The following is an entry in ClinVar:

NM_001165963.4(SCN1A):c.1110G>T (p.Trp370Cys)

Gene: SCN1A (sodium voltage-gated channel alpha subunit 1; minus strand). Cytogenetic location: 2q24.3.
Variant type: single nucleotide variant.
Coding change: c.1110G>T on transcript NM_001165963.4 (MANE Select); coding-DNA position 1110, G replaced by T.
Protein change: p.Trp370Cys; replaces tryptophan 370 with cysteine.
Molecular consequence: missense variant. On other transcripts: 5 prime UTR variant (1), non-coding transcript variant (1).
Genome position (GRCh38, 1-based): chr2:166,047,687, C>A on the plus strand (G>T on the coding strand, the complement: SCN1A is on the minus strand). VCF-style: chr2-166047687-C-A. GRCh37 (hg19) VCF-style: chr2-166904197-C-A.
Other names: c.1110G>T, p.Trp370Cys (NM_001165964.3, NM_001202435.3, NM_001353948.2 and 10 more transcripts); c.-1316G>T (NM_001353961.2); c.1110G>T (NM_001165963.1); short protein forms W370C.
Identifiers: ClinVar variation 2861938 (VCV002861938.4), dbSNP rs1553547454, ClinGen allele CA349071196.

ClinVar aggregate classification (germline): Conflicting classifications of pathogenicity. Review status: criteria provided, conflicting classifications (1 of 4 stars). 2 submissions from 2 submitters: Likely pathogenic (1); Uncertain significance (1). Last evaluated 2025-01-15.

Conditions:
Early-infantile DEE. Also called: Ohtahara syndrome; Early infantile epileptic encephalopathy with suppression bursts; Early infantile epileptic encephalopathy. Identifiers: Orphanet 1934, MedGen C0393706, MONDO:0800491.

Submissions (2):

GeneDx
Classification: Likely pathogenic. Last evaluated: 2025-01-15. Review status: criteria provided, single submitter. Criteria: GeneDx Variant Classification Process June 2021. Collection method: clinical testing. Allele origin: germline. Affected: yes.
Comment: Not observed at significant frequency in large population cohorts (gnomAD); In silico analysis supports that this missense variant has a deleterious effect on protein structure/function; Has not been previously published as pathogenic or benign to our knowledge; This substitution is predicted to be within the pore forming loop between the S5 and S6 transmembrane segments of the first homologous domain

Labcorp Genetics (formerly Invitae), Labcorp
Classification: Uncertain significance for Early-infantile DEE. Last evaluated: 2024-10-24. Review status: criteria provided, single submitter. Criteria: Invitae Variant Classification Sherloc (09022015). Collection method: clinical testing. Allele origin: germline.
Comment: This sequence change replaces tryptophan, which is neutral and slightly polar, with cysteine, which is neutral and slightly polar, at codon 370 of the SCN1A protein (p.Trp370Cys). This variant is not present in population databases (gnomAD no frequency). This variant has not been reported in the literature in individuals affected with SCN1A-related conditions. Invitae Evidence Modeling of protein sequence and biophysical properties (such as structural, functional, and spatial information, amino acid conservation, physicochemical variation, residue mobility, and thermodynamic stability) indicates that this missense variant is expected to disrupt SCN1A protein function with a positive predictive value of 95%. In summary, the available evidence is currently insufficient to determine the role of this variant in disease. Therefore, it has been classified as a Variant of Uncertain Significance.